The following is an entry in ClinVar:

ClinVar aggregate classification (germline): Uncertain significance. Review status: criteria provided, multiple submitters, no conflicts (2 of 4 stars). 2 submissions from 2 submitters: Uncertain significance (2). Last evaluated 2025-01-13.

Allele frequency attached by ClinVar (database versions not stated): gnomAD exomes below 0.00001; gnomAD 0.00001.
gnomAD v4.1: 5 of 1,614,044 alleles (0.00031%); highest among the groups gnomAD compares: African/African-American, 0.0013%; no homozygotes.

Submissions (2):

Labcorp Genetics (formerly Invitae), Labcorp
Classification: Uncertain significance. Last evaluated: 2025-01-13. Review status: criteria provided, single submitter. Criteria: Invitae Variant Classification Sherloc (09022015). Collection method: clinical testing. Allele origin: germline.
Comment: This sequence change replaces serine, which is neutral and polar, with glycine, which is neutral and non-polar, at codon 1179 of the PRPF8 protein (p.Ser1179Gly). This variant is present in population databases (no rsID available, gnomAD 0.01%). This variant has not been reported in the literature in individuals affected with PRPF8-related conditions. ClinVar contains an entry for this variant (Variation ID: 965302). Invitae Evidence Modeling of protein sequence and biophysical properties (such as structural, functional, and spatial information, amino acid conservation, physicochemical variation, residue mobility, and thermodynamic stability) indicates that this missense variant is not expected to disrupt PRPF8 protein function with a negative predictive value of 80%. In summary, the available evidence is currently insufficient to determine the role of this variant in disease. Therefore, it has been classified as a Variant of Uncertain Significance.

Blueprint Genetics
Classification: Uncertain significance. Last evaluated: 2024-09-20. Review status: criteria provided, single submitter. Criteria: ACMG Guidelines, 2015. Collection method: clinical testing. Allele origin: germline.

NM_006445.4(PRPF8):c.3535A>G (p.Ser1179Gly)

Gene: PRPF8 (pre-mRNA processing factor 8; minus strand). Cytogenetic location: 17p13.3.
Variant type: single nucleotide variant.
Coding change: c.3535A>G on transcript NM_006445.4 (MANE Select); coding-DNA position 3535, A replaced by G.
Protein change: p.Ser1179Gly; replaces serine 1179 with glycine.
Molecular consequence: missense variant.
Genome position (GRCh38, 1-based): chr17:1,673,479, T>C on the plus strand (A>G on the coding strand, the complement: PRPF8 is on the minus strand). VCF-style: chr17-1673479-T-C. GRCh37 (hg19) VCF-style: chr17-1576773-T-C.
Other names: short protein forms S1179G.
Identifiers: ClinVar variation 965302 (VCV000965302.8), dbSNP rs1477643212, ClinGen allele CA397539586.